The following is an entry in ClinVar:

ClinVar aggregate classification (germline): Uncertain significance (1 of 4 stars; one submission).

Conditions:
Macrothrombocytopenia and granulocyte inclusions with or without nephritis or sensorineural hearing loss (MATINS). Also called: BLEEDING DISORDER, PLATELET-TYPE, 6; MAY-HEGGLIN ANOMALY; DOHLE LEUKOCYTE INCLUSIONS WITH GIANT PLATELETS; MACROTHROMBOCYTOPENIA WITH LEUKOCYTE INCLUSIONS; SEBASTIAN PLATELET SYNDROME; MACROTHROMBOCYTOPENIA WITH DISPERSED LEUKOCYTIC INCLUSIONS. Identifiers: Orphanet 182050, MedGen C5200934, MONDO:0015912, OMIM 155100.

gnomAD v4.1: 1 of 1,614,246 alleles (0.000062%); highest among the groups gnomAD compares: Non-Finnish European, 0.000085%; no homozygotes.

Submission:

Institute of Immunology and Genetics Kaiserslautern
Classification: Uncertain significance for Macrothrombocytopenia and granulocyte inclusions with or without nephritis or sensorineural hearing loss. Last evaluated: 2024-07-16. Review status: criteria provided, single submitter. Criteria: ACMG Guidelines, 2015. Collection method: clinical testing. Allele origin: germline. Affected: yes.
Comment: ACMG Criteria: PM1, PM2_p, PP4; Variant was found in heterozygous state

NM_002473.6(MYH9):c.264G>T (p.Glu88Asp)

Gene: MYH9 (myosin heavy chain 9; minus strand). Cytogenetic location: 22q12.3.
Variant type: single nucleotide variant.
Coding change: c.264G>T on transcript NM_002473.6 (MANE Select); coding-DNA position 264, G replaced by T.
Protein change: p.Glu88Asp; replaces glutamic acid 88 with aspartic acid.
Molecular consequence: missense variant.
Genome position (GRCh38, 1-based): chr22:36,348,973, C>A on the plus strand (G>T on the coding strand, the complement: MYH9 is on the minus strand). VCF-style: chr22-36348973-C-A. GRCh37 (hg19) VCF-style: chr22-36745018-C-A.
Other names: short protein forms E88D.
Identifiers: ClinVar variation 3257732 (VCV003257732.1).